The following is an entry in ClinVar:

NM_021190.4(PTBP2):c.41G>C (p.Arg14Thr)

Gene: PTBP2 (polypyrimidine tract binding protein 2; plus strand). Cytogenetic location: 1p21.3.
Variant type: single nucleotide variant.
Coding change: c.41G>C on transcript NM_021190.4 (MANE Select); coding-DNA position 41, G replaced by C.
Protein change: p.Arg14Thr; replaces arginine 14 with threonine.
Molecular consequence: missense variant. On other transcripts: non-coding transcript variant (2), intron variant (1).
Genome position (GRCh38, 1-based): chr1:96,751,426, G>C. VCF-style: chr1-96751426-G-C. GRCh37 (hg19) VCF-style: chr1-97216982-G-C.
Other names: c.41G>C, p.Arg14Thr (NM_001300985.2, NM_001300988.2, NM_001300989.2); c.65G>C, p.Arg22Thr (NM_001300986.2, NM_001410833.1); c.74G>C, p.Arg25Thr (NM_001300987.2); c.-41-18277G>C (NM_001300990.2); short protein forms R14T, R22T, R25T.
Identifiers: ClinVar variation 4528355 (VCV004528355.1).
Genomic context (GRCh38, chr1:96,751,426, plus strand): 5'-TTAGATTAATATTTTTAAATTTAAAGATGTCTTATGCTAATTTGTTTTTGTTTTCATAGA[G>C]AGGATCTGACGAACTACTCTCAGGCAGTGTTCTCAGTAGTCCGAACTCTAATATGAGCAG-3'
Protein context (NP_067013.1, residues 4-24): IVTEVAVGVK[Arg14Thr]GSDELLSGSV

ClinVar aggregate classification (germline): Pathogenic (1 of 4 stars; one submission).

Conditions:
PTBP2-related neurodevelopmental disease.

Submission:

Equipe Genetique des Anomalies du Developpement, Université de Bourgogne
Classification: Pathogenic for PTBP2-related neurodevelopmental disease. Last evaluated: 2025-09-01. Review status: criteria provided, single submitter. Criteria: ACMG Guidelines, 2015. Collection method: research. Allele origin: de novo. Affected: yes.
Comment: The c.41G>C substitution is absent from gnomAD (v4.1.0) and results in a p.Arg14Thr missense variant within the first half of the bipartite nuclear localization signal and the nuclear export signal (PMID: 40965981). This variant causes abnormal cytoplasmic accumulation of the protein.

Literature cited by the submitters: PubMed 40965981.